The following is an entry in ClinVar:

NM_012434.5(SLC17A5):c.786A>C (p.Glu262Asp)

Gene: SLC17A5 (solute carrier family 17 member 5; minus strand). Cytogenetic location: 6q13.
Variant type: single nucleotide variant.
Coding change: c.786A>C on transcript NM_012434.5 (MANE Select); coding-DNA position 786, A replaced by C.
Protein change: p.Glu262Asp; replaces glutamic acid 262 with aspartic acid.
Molecular consequence: missense variant.
Genome position (GRCh38, 1-based): chr6:73,635,415, T>G on the plus strand (A>C on the coding strand, the complement: SLC17A5 is on the minus strand). VCF-style: chr6-73635415-T-G. GRCh37 (hg19) VCF-style: chr6-74345138-T-G.
Other names: Q262D; c.786A>C (NM_012434.4); short protein forms E262D.
Identifiers: ClinVar variation 870533 (VCV000870533.7), dbSNP rs1768948534, ClinGen allele CA364715911.
Genomic context (GRCh38, chr6:73,635,415, plus strand): 5'-ATTTTTAAAATGTGTCAAAGTCCATACCTGATTTCTTAATGATGAAAGAATGTATTCCTT[T>G]TCATAATGGGAAATTCTCTTGTGTTTTTGTGGTGTGTCACTAACTAACCAGATCCACAAA-3'
Protein context (NP_036566.1, residues 252-272): PQKHKRISHY[Glu262Asp]KEYILSSLRN

ClinVar aggregate classification (germline): Likely pathogenic. Review status: criteria provided, multiple submitters, no conflicts (2 of 4 stars). 4 submissions from 4 submitters: Likely pathogenic (3). 1 of the submissions does not count toward it. Last evaluated 2024-02-22.

Conditions:
Salla disease (SD). Also called: Sialuria, Finnish type; N-acetylneuraminic acid (NANA) storage disease (NSD); Infantile sialic acid storage disorder (ISSD); Less Severe FSASD (Salla Disease). Identifiers: Orphanet 309334, Orphanet 834, MedGen C1096903, MONDO:0011449, OMIM 604369.
Sialic acid storage disease, severe infantile type (ISSD). Also called: INFANTILE SIALIC ACID STORAGE DISORDER; Infantile Sialic Acid Storage Disease; Free sialic acid storage disease, infantile form; N-ACETYLNEURAMINIC ACID STORAGE DISEASE; NANA STORAGE DISEASE; SIALURIA, INFANTILE FORM. Identifiers: Orphanet 309324, Orphanet 834, MedGen C1096902, MONDO:0010027, OMIM 269920.

Submissions (4):

GeneDx
Classification: Likely pathogenic. Last evaluated: 2024-02-22. Review status: criteria provided, single submitter. Criteria: GeneDx Variant Classification Process June 2021. Collection method: clinical testing. Allele origin: germline. Affected: yes.
Comment: Not observed at significant frequency in large population cohorts (gnomAD); In silico analysis supports that this missense variant has a deleterious effect on protein structure/function; This variant is associated with the following publications: (PMID: 33547378, 36662855)

Labcorp Genetics (formerly Invitae), Labcorp
Classification: Likely pathogenic for Salla disease. Last evaluated: 2024-01-17. Review status: criteria provided, single submitter. Criteria: Invitae Variant Classification Sherloc (09022015). Collection method: clinical testing. Allele origin: germline.
Comment: This sequence change replaces glutamic acid, which is acidic and polar, with aspartic acid, which is acidic and polar, at codon 262 of the SLC17A5 protein (p.Glu262Asp). This variant is not present in population databases (gnomAD no frequency). This missense change has been observed in individual(s) with Salla disease (PMID: 33547378). ClinVar contains an entry for this variant (Variation ID: 870533). Advanced modeling of protein sequence and biophysical properties (such as structural, functional, and spatial information, amino acid conservation, physicochemical variation, residue mobility, and thermodynamic stability) performed at Invitae indicates that this missense variant is expected to disrupt SLC17A5 protein function with a positive predictive value of 80%. In summary, the currently available evidence indicates that the variant is pathogenic, but additional data are needed to prove that conclusively. Therefore, this variant has been classified as Likely Pathogenic.

Rajaie Cardiovascular, Medical and Research Center, Iran University of Medical Sciences
Classification: Likely pathogenic for Salla disease. Last evaluated: 2019-12-05. Review status: criteria provided, single submitter. Criteria: ACMG Guidelines, 2015. Collection method: research. Allele origin: inherited. Inheritance: Autosomal recessive inheritance. Affected: yes.

Myelin Disorders Clinic-Children's Medical Center/Medical Genetics Lab-Tarbiat Modares University, Children's Medical Center, Pediatrics Center of Excellence,
Classification: Uncertain significance for Sialic acid storage disease, severe infantile type. Review status: no assertion criteria provided. Collection method: clinical testing. Allele origin: inherited. Inheritance: Autosomal recessive inheritance. Affected: yes. Observed: 1 homozygote. Not counted in ClinVar's aggregate classification.

Literature cited by the submitters: PubMed 33547378 (cited by Labcorp Genetics (formerly Invitae), Labcorp).